The following is an entry in ClinVar:

ClinVar aggregate classification (germline): Likely benign (1 of 4 stars; one submission).

Conditions:
Qualitative or quantitative defects of delta-sarcoglycan. Identifiers: Orphanet 207070, MedGen C5680806, MONDO:0016144.

Allele frequency attached by ClinVar (database versions not stated): gnomAD 0.00222 and 0.00232; TOPMed 0.00241; 1000 Genomes Project 30x 0.00281; 1000 Genomes Project 0.00339.

Submission:

Illumina Laboratory Services, Illumina
Classification: Likely benign for Qualitative or quantitative defects of delta-sarcoglycan. Last evaluated: 2018-01-13. Review status: criteria provided, single submitter. Criteria: ICSL Variant Classification Criteria 13 December 2019. Collection method: clinical testing. Allele origin: germline.
Comment: This variant was observed in the ICSL laboratory as part of a predisposition screen in an ostensibly healthy population. It had not been previously curated by ICSL or reported in the Human Gene Mutation Database (HGMD: prior to June 1st, 2018), and was therefore a candidate for classification through an automated scoring system. Utilizing variant allele frequency, disease prevalence and penetrance estimates, and inheritance mode, an automated score was calculated to assess if this variant is too frequent to cause the disease. Based on the score and internal cut-off values, a variant classified as likely benign is not then subjected to further curation. The score for this variant resulted in a classification of likely benign for this disease.

NM_000337.6(SGCD):c.*5348T>C

Gene: SGCD (sarcoglycan delta; plus strand). Cytogenetic location: 5q33.3.
Variant type: single nucleotide variant.
Coding change: c.*5348T>C on transcript NM_000337.6 (MANE Select); 5348 bases downstream of the stop codon, T replaced by C.
Molecular consequence: 3 prime UTR variant.
Genome position (GRCh38, 1-based): chr5:156,764,738, T>C. VCF-style: chr5-156764738-T-C. GRCh37 (hg19) VCF-style: chr5-156191749-T-C.
Other names: c.*5348T>C (NM_001128209.2).
Identifiers: ClinVar variation 352405 (VCV000352405.6), dbSNP rs149021597, ClinGen allele CA10623899.